The following is an entry in ClinVar:

NM_001127464.1:c.748G>A

Gene: ZNF469 (zinc finger protein 469; plus strand).
Variant type: single nucleotide variant.
Identifiers: ClinVar variation 4209238 (VCV004209238.1).

ClinVar aggregate classification (germline): Uncertain significance (1 of 4 stars; one submission).

Conditions:
Cardiovascular phenotype. Identifiers: MedGen CN230736.

Submission:

Ambry Genetics
Classification: Uncertain significance for Cardiovascular phenotype. Last evaluated: 2025-09-12. Review status: criteria provided, single submitter. Criteria: Ambry Variant Classification Scheme 2023. Collection method: clinical testing. Allele origin: germline.
Comment: The p.V250I variant (also known as c.748G>A), located in coding exon 1 of the ZNF469 gene, results from a G to A substitution at nucleotide position 748. The valine at codon 250 is replaced by isoleucine, an amino acid with highly similar properties. This amino acid position is conserved. In addition, this alteration is predicted to be tolerated by in silico analysis. Based on the available evidence, the clinical significance of this variant remains unclear.